The following is an entry in ClinVar:

NM_001354930.2(RIPK1):c.399C>T (p.Gly133=)

Gene: RIPK1 (receptor interacting serine/threonine kinase 1; plus strand). Cytogenetic location: 6p25.2.
Variant type: single nucleotide variant.
Coding change: c.399C>T on transcript NM_001354930.2 (MANE Select); coding-DNA position 399, C replaced by T.
Protein change: p.Gly133=; no amino-acid change (glycine 133 retained).
Molecular consequence: synonymous variant. On other transcripts: 5 prime UTR variant (4), intron variant (1).
Genome position (GRCh38, 1-based): chr6:3,081,056, C>T. VCF-style: chr6-3081056-C-T. GRCh37 (hg19) VCF-style: chr6-3081290-C-T.
Other names: c.-205C>T (NM_001317061.3, NM_001354932.2, NM_001354933.2 and 1 more transcripts); c.399C>T, p.Gly133= (NM_003804.6); c.322-2029C>T (NM_001354931.2).
Identifiers: ClinVar variation 1571249 (VCV001571249.33), dbSNP rs781683197, ClinGen allele CA3618174.

ClinVar aggregate classification (germline): Likely benign. Review status: criteria provided, multiple submitters, no conflicts (2 of 4 stars). 2 submissions from 2 submitters: Likely benign (2). Last evaluated 2023-12-01.

Allele frequency attached by ClinVar (database versions not stated): gnomAD 0.00001; ExAC 0.00002; gnomAD exomes 0.00002; TOPMed 0.00002.
gnomAD v4.1: 22 of 1,613,926 alleles (0.0014%); highest among the groups gnomAD compares: South Asian, 0.0077%; no homozygotes.

Submissions (3):

CeGaT Center for Human Genetics Tuebingen
Classification: Likely benign. Last evaluated: 2023-12-01. Review status: criteria provided, single submitter. Criteria: CeGaT Center For Human Genetics Tuebingen Variant Classification Criteria Version 2. Collection method: clinical testing. Allele origin: germline. Affected: yes. Observed: 1 variant allele.
Comment: RIPK1: BP4, BP7

Labcorp Genetics (formerly Invitae), Labcorp
Classification: Likely benign. Last evaluated: 2023-08-04. Review status: criteria provided, single submitter. Criteria: Invitae Variant Classification Sherloc (09022015). Collection method: clinical testing. Allele origin: germline.

Dr. Peter K. Rogan Lab, Western University
No classification provided (evidence only). Condition: Uterine corpus endometrial carcinoma. Review status: no classification provided. Collection method: in vitro. Allele origin: not applicable. Functional consequence: skipped exon. Not counted in ClinVar's aggregate classification.